The following is an entry in ClinVar:

NM_015295.3(SMCHD1):c.2530C>T (p.Pro844Ser)

Gene: SMCHD1 (structural maintenance of chromosomes flexible hinge domain containing 1; plus strand). Cytogenetic location: 18p11.32.
Variant type: single nucleotide variant.
Coding change: c.2530C>T on transcript NM_015295.3 (MANE Select); coding-DNA position 2530, C replaced by T.
Protein change: p.Pro844Ser; replaces proline 844 with serine.
Molecular consequence: missense variant.
Genome position (GRCh38, 1-based): chr18:2,722,590, C>T. VCF-style: chr18-2722590-C-T. GRCh37 (hg19) VCF-style: chr18-2722588-C-T.
Other names: short protein forms P844S.
Identifiers: ClinVar variation 3665447 (VCV003665447.2).

ClinVar aggregate classification (germline): Uncertain significance (1 of 4 stars; one submission).

Conditions:
Facioscapulohumeral muscular dystrophy 2 (FSHD2). Also called: MUSCULAR DYSTROPHY, FACIOSCAPULOHUMERAL, TYPE 1B; FACIOSCAPULOHUMERAL MUSCULAR DYSTROPHY 2, DIGENIC; FSHD2, DIGENIC. Identifiers: Orphanet 269, MedGen C1834671, MONDO:0008031, OMIM 158901.

Submission:

Labcorp Genetics (formerly Invitae), Labcorp
Classification: Uncertain significance for Facioscapulohumeral muscular dystrophy 2. Last evaluated: 2024-11-30. Review status: criteria provided, single submitter. Criteria: Invitae Variant Classification Sherloc (09022015). Collection method: clinical testing. Allele origin: germline.
Comment: This sequence change replaces proline, which is neutral and non-polar, with serine, which is neutral and polar, at codon 844 of the SMCHD1 protein (p.Pro844Ser). This variant is not present in population databases (gnomAD no frequency). This variant has not been reported in the literature in individuals affected with SMCHD1-related conditions. Invitae Evidence Modeling of protein sequence and biophysical properties (such as structural, functional, and spatial information, amino acid conservation, physicochemical variation, residue mobility, and thermodynamic stability) indicates that this missense variant is not expected to disrupt SMCHD1 protein function with a negative predictive value of 80%. In summary, the available evidence is currently insufficient to determine the role of this variant in disease. Therefore, it has been classified as a Variant of Uncertain Significance.